The following is an entry in ClinVar:

NM_005204.4(MAP3K8):c.841G>C (p.Val281Leu)

Gene: MAP3K8 (mitogen-activated protein kinase kinase kinase 8; plus strand). Cytogenetic location: 10p11.23.
Variant type: single nucleotide variant.
Coding change: c.841G>C on transcript NM_005204.4 (MANE Select); coding-DNA position 841, G replaced by C.
Protein change: p.Val281Leu; replaces valine 281 with leucine.
Molecular consequence: missense variant.
Genome position (GRCh38, 1-based): chr10:30,451,712, G>C. VCF-style: chr10-30451712-G-C. GRCh37 (hg19) VCF-style: chr10-30740641-G-C.
Other names: c.841G>C, p.Val281Leu (NM_001244134.1, NM_001320961.2); short protein forms V281L.
Identifiers: ClinVar variation 3609628 (VCV003609628.2).

ClinVar aggregate classification (germline): Uncertain significance (1 of 4 stars; one submission).

Submission:

Labcorp Genetics (formerly Invitae), Labcorp
Classification: Uncertain significance. Last evaluated: 2024-11-04. Review status: criteria provided, single submitter. Criteria: Invitae Variant Classification Sherloc (09022015). Collection method: clinical testing. Allele origin: germline.
Comment: This sequence change replaces valine, which is neutral and non-polar, with leucine, which is neutral and non-polar, at codon 281 of the MAP3K8 protein (p.Val281Leu). This variant is not present in population databases (gnomAD no frequency). This variant has not been reported in the literature in individuals affected with MAP3K8-related conditions. An algorithm developed to predict the effect of missense changes on protein structure and function (PolyPhen-2) suggests that this variant is likely to be tolerated. In summary, the available evidence is currently insufficient to determine the role of this variant in disease. Therefore, it has been classified as a Variant of Uncertain Significance.